The following is an entry in ClinVar:

ClinVar aggregate classification (germline): Conflicting classifications of pathogenicity. Review status: criteria provided, conflicting classifications (1 of 4 stars). 3 submissions from 3 submitters: Likely pathogenic (1); Uncertain significance (2). Last evaluated 2025-05-27.

Conditions:
Glycogen storage disease, type VI (GSD6). Also called: Glycogen storage disease type 6; Hepatic glycogen phosphorylase deficiency; Glycogen storage disease type 6, due to phosphorylation; GSD VI; HERS DISEASE; PHOSPHORYLASE DEFICIENCY GLYCOGEN-STORAGE DISEASE OF LIVER. Identifiers: Orphanet 369, MedGen C0017925, MONDO:0009294, OMIM 232700.

Allele frequency attached by ClinVar (database versions not stated): TOPMed 0.00003.
gnomAD v4.1: 18 of 1,614,066 alleles (0.0011%); highest among the groups gnomAD compares: African/African-American, 0.0067%; no homozygotes.

Submissions (3):

First Genomix Gene Laboratory, Genetic Diagnostics Department
Classification: Likely pathogenic for Glycogen storage disease, type VI. Last evaluated: 2025-05-27. Review status: criteria provided, single submitter. Criteria: ACMG Guidelines, 2015. Collection method: clinical testing. Allele origin: germline. Inheritance: Autosomal recessive inheritance. Affected: no. Observed: 1 variant allele.

Mendelics
Classification: Uncertain significance. Last evaluated: 2022-05-04. Review status: criteria provided, single submitter. Criteria: Mendelics Assertion Criteria 2019. Collection method: clinical testing. Allele origin: germline.

Neuberg Centre For Genomic Medicine, NCGM
Classification: Uncertain significance for Glycogen storage disease, type VI. Review status: criteria provided, single submitter. Criteria: ACMG Guidelines, 2015. Collection method: clinical testing. Allele origin: germline. Inheritance: Autosomal recessive inheritance. Affected: yes.
Comment: The missense variant c.2071G>A (p.Gly691Arg) in PYGL gene has not been reported previously as a pathogenic variant nor as a benign variant, to our knowledge. The p.Gly691Arg variant is novel (not in any individuals) in 1000 Genomes and allele frequency of 0.001061% is reported in gnomAD. The amino acid Gly at position 691 is changed to a Arg changing protein sequence and it might alter its composition and physico-chemical properties. The amino acid change p.Gly691Arg in PYGL is predicted as conserved by GERP++ and PhyloP across 100 vertebrates.For these reasons, this variant has been classified as Uncertain Significance.

NM_002863.5(PYGL):c.2071G>A (p.Gly691Arg)

Gene: PYGL (glycogen phosphorylase L; minus strand). Cytogenetic location: 14q22.1.
Variant type: single nucleotide variant.
Coding change: c.2071G>A on transcript NM_002863.5 (MANE Select); coding-DNA position 2071, G replaced by A.
Protein change: p.Gly691Arg; replaces glycine 691 with arginine.
Molecular consequence: missense variant.
Genome position (GRCh38, 1-based): chr14:50,910,001, C>T on the plus strand (G>A on the coding strand, the complement: PYGL is on the minus strand). VCF-style: chr14-50910001-C-T. GRCh37 (hg19) VCF-style: chr14-51376719-C-T.
Other names: c.1969G>A, p.Gly657Arg (NM_001163940.2); short protein forms G657R, G691R.
Identifiers: ClinVar variation 1685053 (VCV001685053.2), dbSNP rs539898848, ClinGen allele CA7183229.
Genomic context (GRCh38, chr14:50,910,001, plus strand): 5'-TGAACAGGTTCTCTTCCCCAGCTTCTTCTGCCATTTCCACATTGGCCCCATCCATGGTCC[C>T]GATAGTTAGGGCCCCATTTAGCATGAACTTCATATTGCCTGTCCCCGAGGCTTCGGTGCC-3'
Protein context (NP_002854.3, residues 681-701): KFMLNGALTI[Gly691Arg]TMDGANVEMA